The following is an entry in ClinVar:

ClinVar aggregate classification (germline): Uncertain significance (1 of 4 stars; one submission).

Conditions:
McKusick-Kaufman syndrome (MKKS). Also called: HYDROMETROCOLPOS SYNDROME; HYDROMETROCOLPOS, POSTAXIAL POLYDACTYLY, AND CONGENITAL HEART MALFORMATION. Identifiers: Orphanet 2473, MedGen C0948368, MONDO:0009367, OMIM 236700.
Bardet-Biedl syndrome (BBS). Identifiers: Orphanet 110, MedGen C0752166, MONDO:0015229.

Allele frequency attached by ClinVar (database versions not stated): TOPMed below 0.00001; gnomAD 0.00001.
gnomAD v4.1: 17 of 1,613,880 alleles (0.0011%); highest among the groups gnomAD compares: Non-Finnish European, 0.0014%; no homozygotes.

Submission:

Labcorp Genetics (formerly Invitae), Labcorp
Classification: Uncertain significance for McKusick-Kaufman syndrome; Bardet-Biedl syndrome. Last evaluated: 2024-12-02. Review status: criteria provided, single submitter. Criteria: Invitae Variant Classification Sherloc (09022015). Collection method: clinical testing. Allele origin: germline.
Comment: This sequence change replaces alanine, which is neutral and non-polar, with threonine, which is neutral and polar, at codon 181 of the MKKS protein (p.Ala181Thr). This variant is not present in population databases (gnomAD no frequency). This variant has not been reported in the literature in individuals affected with MKKS-related conditions. ClinVar contains an entry for this variant (Variation ID: 1042903). An algorithm developed to predict the effect of missense changes on protein structure and function outputs the following: PolyPhen-2: "Benign". The threonine amino acid residue is found in multiple mammalian species, which suggests that this missense change does not adversely affect protein function. In summary, the available evidence is currently insufficient to determine the role of this variant in disease. Therefore, it has been classified as a Variant of Uncertain Significance.

NM_170784.3(MKKS):c.541G>A (p.Ala181Thr)

Gene: MKKS (MKKS centrosomal shuttling protein; minus strand). Cytogenetic location: 20p12.2.
Variant type: single nucleotide variant.
Coding change: c.541G>A on transcript NM_170784.3 (MANE Select); coding-DNA position 541, G replaced by A.
Protein change: p.Ala181Thr; replaces alanine 181 with threonine.
Molecular consequence: missense variant.
Genome position (GRCh38, 1-based): chr20:10,412,974, C>T on the plus strand (G>A on the coding strand, the complement: MKKS is on the minus strand). VCF-style: chr20-10412974-C-T. GRCh37 (hg19) VCF-style: chr20-10393622-C-T.
Other names: c.541G>A, p.Ala181Thr (NM_018848.3); short protein forms A181T.
Identifiers: ClinVar variation 1042903 (VCV001042903.7), dbSNP rs1215659134, ClinGen allele CA408232885.